The following is an entry in ClinVar:

NM_004304.5(ALK):c.2073C>T (p.Ser691=)

Gene: ALK (ALK receptor tyrosine kinase; minus strand). Cytogenetic location: 2p23.2.
Variant type: single nucleotide variant.
Coding change: c.2073C>T on transcript NM_004304.5 (MANE Select); coding-DNA position 2073, C replaced by T.
Protein change: p.Ser691=; no amino-acid change (serine 691 retained).
Molecular consequence: synonymous variant.
Genome position (GRCh38, 1-based): chr2:29,251,236, G>A on the plus strand (C>T on the coding strand, the complement: ALK is on the minus strand). VCF-style: chr2-29251236-G-A. GRCh37 (hg19) VCF-style: chr2-29474102-G-A.
Identifiers: ClinVar variation 470778 (VCV000470778.27), dbSNP rs370435082, ClinGen allele CA1594441.

ClinVar aggregate classification (germline): Conflicting classifications of pathogenicity. Review status: criteria provided, conflicting classifications (1 of 4 stars). 5 submissions from 5 submitters: Uncertain significance (1); Likely benign (4). Last evaluated 2026-01-10.

Conditions:
Neuroblastoma, susceptibility to, 3. Also called: ALK-Related Neuroblastic Tumor Susceptibility. Identifiers: Orphanet 635, MedGen C2751681, MONDO:0013083, OMIM 613014.
Hereditary cancer-predisposing syndrome. Also called: Hereditary neoplastic syndrome; Tumor predisposition; Neoplastic Syndromes, Hereditary; Hereditary Cancer Syndrome. Identifiers: Orphanet 140162, MedGen C0027672, MeSH D009386, MONDO:0015356.

Allele frequency attached by ClinVar (database versions not stated): TOPMed 0.00002; ExAC 0.00005.
gnomAD v4.1: 37 of 1,613,678 alleles (0.0023%); highest among the groups gnomAD compares: East Asian, 0.031%; no homozygotes.

Submissions (5):

Labcorp Genetics (formerly Invitae), Labcorp
Classification: Likely benign for Neuroblastoma, susceptibility to, 3. Last evaluated: 2026-01-10. Review status: criteria provided, single submitter. Criteria: Invitae Variant Classification Sherloc (09022015). Collection method: clinical testing. Allele origin: germline.

CeGaT Center for Human Genetics Tuebingen
Classification: Likely benign. Last evaluated: 2025-08-01. Review status: criteria provided, single submitter. Criteria: CeGaT Center For Human Genetics Tuebingen Variant Classification Criteria Version 2. Collection method: clinical testing. Allele origin: germline. Affected: yes. Observed: 1 variant allele.
Comment: ALK: BP4, BP7

KCCC/NGS Laboratory, Kuwait Cancer Control Center
Classification: Likely benign for Neuroblastoma, susceptibility to, 3. Last evaluated: 2023-07-07. Review status: criteria provided, single submitter. Criteria: ACMG Guidelines, 2015. Collection method: clinical testing. Allele origin: germline. Affected: yes.

Ambry Genetics
Classification: Likely benign for Hereditary cancer-predisposing syndrome. Last evaluated: 2022-04-02. Review status: criteria provided, single submitter. Criteria: Ambry Variant Classification Scheme 2023. Collection method: clinical testing. Allele origin: germline.

Illumina Laboratory Services, Illumina
Classification: Uncertain significance for Neuroblastoma, susceptibility to, 3. Last evaluated: 2018-01-12. Review status: criteria provided, single submitter. Criteria: ICSL Variant Classification Criteria 13 December 2019. Collection method: clinical testing. Allele origin: germline.